The following is an entry in ClinVar:

ClinVar aggregate classification (germline): Uncertain significance. Review status: criteria provided, multiple submitters, no conflicts (2 of 4 stars). 2 submissions from 2 submitters: Uncertain significance (2). Last evaluated 2025-03-18.

Conditions:
POLD1-related polyposis and colorectal cancer syndrome (CRCS10). Also called: Colorectal cancer 10; COLORECTAL CANCER, SUSCEPTIBILITY TO, ON CHROMOSOME 19q; Colorectal cancer, susceptibility to, 10. Identifiers: Orphanet 220460, MedGen C2675481, MONDO:0012953, OMIM 612591.

gnomAD v4.1: 2 of 1,613,222 alleles (0.00012%); highest among the groups gnomAD compares: African/African-American, 0.0013%; no homozygotes.

Submissions (2):

Mayo Clinic Laboratories, Mayo Clinic
Classification: Uncertain significance. Last evaluated: 2025-03-18. Review status: criteria provided, single submitter. Criteria: ACMG Guidelines, 2015. Collection method: clinical testing. Allele origin: germline. Observed: 1 variant allele.
Comment: PM2_supporting

Labcorp Genetics (formerly Invitae), Labcorp
Classification: Uncertain significance for POLD1-related polyposis and colorectal cancer syndrome. Last evaluated: 2023-07-29. Review status: criteria provided, single submitter. Criteria: Invitae Variant Classification Sherloc (09022015). Collection method: clinical testing. Allele origin: germline.
Comment: ClinVar contains an entry for this variant (Variation ID: 953677). This sequence change replaces valine, which is neutral and non-polar, with methionine, which is neutral and non-polar, at codon 735 of the POLD1 protein (p.Val735Met). This variant is not present in population databases (gnomAD no frequency). This variant has not been reported in the literature in individuals affected with POLD1-related conditions. Advanced modeling of protein sequence and biophysical properties (such as structural, functional, and spatial information, amino acid conservation, physicochemical variation, residue mobility, and thermodynamic stability) performed at Invitae indicates that this missense variant is expected to disrupt POLD1 protein function. In summary, the available evidence is currently insufficient to determine the role of this variant in disease. Therefore, it has been classified as a Variant of Uncertain Significance.

NM_002691.4(POLD1):c.2203G>A (p.Val735Met)

Gene: POLD1 (DNA polymerase delta 1, catalytic subunit; plus strand). Cytogenetic location: 19q13.33.
Variant type: single nucleotide variant.
Coding change: c.2203G>A on transcript NM_002691.4 (MANE Select); coding-DNA position 2203, G replaced by A.
Protein change: p.Val735Met; replaces valine 735 with methionine.
Molecular consequence: missense variant. On other transcripts: non-coding transcript variant (1).
Genome position (GRCh38, 1-based): chr19:50,413,474, G>A. VCF-style: chr19-50413474-G-A. GRCh37 (hg19) VCF-style: chr19-50916731-G-A.
Other names: p.Val735Met; c.2203G>A, p.Val735Met (NM_001256849.1); c.2281G>A, p.Val761Met (NM_001308632.1); short protein forms V761M, V735M.
Identifiers: ClinVar variation 953677 (VCV000953677.10), dbSNP rs868025188, ClinGen allele CA309604339.